The following is an entry in ClinVar:

ClinVar aggregate classification (germline): Benign/Likely benign. Review status: criteria provided, multiple submitters, no conflicts (2 of 4 stars). 5 submissions from 5 submitters: Benign (4); Likely benign (1). Last evaluated 2026-01-27.

Conditions:
MYOM1-related disorder.
Hypertrophic cardiomyopathy. Also called: HYPERTROPHIC MYOCARDIOPATHY. Identifiers: Orphanet 217569, MedGen C0007194, MeSH D002312, MONDO:0005045, HP:0001639.

Allele frequency attached by ClinVar (database versions not stated): gnomAD 0.00050 and 0.00095; ESP Exome Variant Server 0.00056; TOPMed 0.00070; gnomAD exomes 0.00139 and 0.00243; ExAC 0.00246; 1000 Genomes Project 0.00379.
gnomAD v4.1: 2,222 of 1,612,030 alleles (0.14%); highest among the groups gnomAD compares: South Asian, 1.3%; 33 homozygotes.

Submissions (5):

Labcorp Genetics (formerly Invitae), Labcorp
Classification: Benign for Hypertrophic cardiomyopathy. Last evaluated: 2026-01-27. Review status: criteria provided, single submitter. Criteria: Invitae Variant Classification Sherloc (09022015). Collection method: clinical testing. Allele origin: germline.

PreventionGenetics, part of Exact Sciences
Classification: Benign for MYOM1-related condition. Last evaluated: 2025-03-05. Review status: criteria provided, single submitter. Criteria: ACMG Guidelines, 2015. Collection method: clinical testing. Allele origin: germline.
Comment: This variant is classified as benign based on ACMG/AMP sequence variant interpretation guidelines (Richards et al. 2015 PMID: 25741868, with internal and published modifications).

Ambry Genetics
Classification: Likely benign. Last evaluated: 2022-10-27. Review status: criteria provided, single submitter. Criteria: Ambry Variant Classification Scheme 2023. Collection method: clinical testing. Allele origin: germline.

Laboratory for Molecular Medicine, Mass General Brigham Personalized Medicine
Classification: Benign. Last evaluated: 2015-06-10. Review status: criteria provided, single submitter. Criteria: LMM Criteria. Collection method: clinical testing. Allele origin: germline. Observed: 1 variant allele.
Comment: p.Thr197Met in exon 4 of MYOM1: This variant is not expected to have clinical si gnificance because it has been identified in 1.3% (215/16512) of South Asian chr omosomes, including 4 homozygotes, by the Exome Aggregation Consortium (ExAC; dbSNP rs142735495).

Breakthrough Genomics
Classification: Benign. Review status: criteria provided, single submitter. Criteria: ACMG Guidelines, 2015. Collection method: not provided. Allele origin: germline. Inheritance: Unknown mechanism. Affected: yes.

NM_003803.4(MYOM1):c.590C>T (p.Thr197Met)

Gene: MYOM1 (myomesin 1; minus strand). Cytogenetic location: 18p11.31.
Variant type: single nucleotide variant.
Coding change: c.590C>T on transcript NM_003803.4 (MANE Select); coding-DNA position 590, C replaced by T.
Protein change: p.Thr197Met; replaces threonine 197 with methionine.
Molecular consequence: missense variant.
Genome position (GRCh38, 1-based): chr18:3,188,929, G>A on the plus strand (C>T on the coding strand, the complement: MYOM1 is on the minus strand). VCF-style: chr18-3188929-G-A. GRCh37 (hg19) VCF-style: chr18-3188927-G-A.
Other names: c.590C>T, p.Thr197Met (NM_019856.2); short protein forms T197M.
Identifiers: ClinVar variation 226831 (VCV000226831.19), dbSNP rs142735495, ClinGen allele CA8875207.